The following is an entry in ClinVar:

NM_031433.4(MFRP):c.578G>A (p.Ser193Asn)

Genes: C1QTNF5 (C1q and TNF related 5; minus strand), MFRP (membrane frizzled-related protein; minus strand). Cytogenetic location: 11q23.3.
Variant type: single nucleotide variant.
Coding change: c.578G>A on transcript NM_031433.4 (MANE Select); coding-DNA position 578, G replaced by A.
Protein change: p.Ser193Asn; replaces serine 193 with asparagine.
Molecular consequence: missense variant. On other transcripts: 5 prime UTR variant (1).
Genome position (GRCh38, 1-based): chr11:119,345,483, C>T on the plus strand (G>A on the coding strand, the complement: MFRP is on the minus strand). VCF-style: chr11-119345483-C-T. GRCh37 (hg19) VCF-style: chr11-119216193-C-T.
Other names: c.-2059G>A (NM_015645.5); short protein forms S193N.
Identifiers: ClinVar variation 1011572 (VCV001011572.6), dbSNP rs371531353, ClinGen allele CA6320503.

ClinVar aggregate classification (germline): Uncertain significance. Review status: criteria provided, multiple submitters, no conflicts (2 of 4 stars). 2 submissions from 2 submitters: Uncertain significance (2). Last evaluated 2023-03-28.

Conditions:
Isolated microphthalmia 5. Also called: Posterior Microphthalmia with Retinitis Pigmentosa, Foveoschisis, and Optic Disc Drusen. Identifiers: Orphanet 251279, MedGen C1970236, MONDO:0012605, OMIM 611040.

Allele frequency attached by ClinVar (database versions not stated): TOPMed 0.00004; gnomAD 0.00001 and 0.00002.
gnomAD v4.1: 114 of 1,613,972 alleles (0.0071%); highest among the groups gnomAD compares: Non-Finnish European, 0.0087%; no homozygotes.

Submissions (2):

Blueprint Genetics
Classification: Uncertain significance. Last evaluated: 2023-03-28. Review status: criteria provided, single submitter. Criteria: ACMG Guidelines, 2015. Collection method: clinical testing. Allele origin: germline.

Labcorp Genetics (formerly Invitae), Labcorp
Classification: Uncertain significance for Isolated microphthalmia 5. Last evaluated: 2022-07-12. Review status: criteria provided, single submitter. Criteria: Invitae Variant Classification Sherloc (09022015). Collection method: clinical testing. Allele origin: germline.
Comment: This sequence change replaces serine, which is neutral and polar, with asparagine, which is neutral and polar, at codon 193 of the MFRP protein (p.Ser193Asn). This variant is present in population databases (rs371531353, gnomAD 0.007%). This variant has not been reported in the literature in individuals affected with MFRP-related conditions. ClinVar contains an entry for this variant (Variation ID: 1011572). Algorithms developed to predict the effect of missense changes on protein structure and function output the following: SIFT: "Tolerated"; PolyPhen-2: "Benign"; Align-GVGD: "Class C0". The asparagine amino acid residue is found in multiple mammalian species, which suggests that this missense change does not adversely affect protein function. In summary, the available evidence is currently insufficient to determine the role of this variant in disease. Therefore, it has been classified as a Variant of Uncertain Significance.